The following is an entry in ClinVar:

ClinVar aggregate classification (germline): Uncertain significance (1 of 4 stars; one submission).

Conditions:
Neurofibromatosis, type 1 (NF1). Also called: VON RECKLINGHAUSEN DISEASE; Peripheral type neurofibromatosis; Neurofibromatosis, type I; NEUROFIBROMATOSIS, TYPE I, SOMATIC. Identifiers: Orphanet 636, MedGen C0027831, MONDO:0018975, OMIM 162200. Disease mechanism: loss of function.

Submission:

Labcorp Genetics (formerly Invitae), Labcorp
Classification: Uncertain significance for Neurofibromatosis, type 1. Last evaluated: 2022-11-23. Review status: criteria provided, single submitter. Criteria: Invitae Variant Classification Sherloc (09022015). Collection method: clinical testing. Allele origin: germline.
Comment: Advanced modeling of protein sequence and biophysical properties (such as structural, functional, and spatial information, amino acid conservation, physicochemical variation, residue mobility, and thermodynamic stability) performed at Invitae indicates that this missense variant is expected to disrupt NF1 protein function. In summary, the available evidence is currently insufficient to determine the role of this variant in disease. Therefore, it has been classified as a Variant of Uncertain Significance. This variant has not been reported in the literature in individuals affected with NF1-related conditions. This variant is not present in population databases (gnomAD no frequency). This sequence change replaces glutamic acid, which is acidic and polar, with lysine, which is basic and polar, at codon 2624 of the NF1 protein (p.Glu2624Lys).

NM_001042492.3(NF1):c.7933G>A (p.Glu2645Lys)

Gene: NF1 (neurofibromin 1; plus strand). Cytogenetic location: 17q11.2.
Variant type: single nucleotide variant.
Coding change: c.7933G>A on transcript NM_001042492.3 (MANE Select); coding-DNA position 7933, G replaced by A.
Protein change: p.Glu2645Lys; replaces glutamic acid 2645 with lysine.
Molecular consequence: missense variant.
Genome position (GRCh38, 1-based): chr17:31,357,332, G>A. VCF-style: chr17-31357332-G-A. GRCh37 (hg19) VCF-style: chr17-29684350-G-A.
Other names: c.7870G>A, p.Glu2624Lys (NM_000267.4); short protein forms E2624K, E2645K.
Identifiers: ClinVar variation 2815870 (VCV002815870.3), dbSNP rs2151583354, ClinGen allele CA399203487.